The following is an entry in ClinVar:

NM_001999.4(FBN2):c.2675A>G (p.Asp892Gly)

Gene: FBN2 (fibrillin 2; minus strand). Cytogenetic location: 5q23.3.
Variant type: single nucleotide variant.
Coding change: c.2675A>G on transcript NM_001999.4 (MANE Select); coding-DNA position 2675, A replaced by G.
Protein change: p.Asp892Gly; replaces aspartic acid 892 with glycine.
Molecular consequence: missense variant.
Genome position (GRCh38, 1-based): chr5:128,351,005, T>C on the plus strand (A>G on the coding strand, the complement: FBN2 is on the minus strand). VCF-style: chr5-128351005-T-C. GRCh37 (hg19) VCF-style: chr5-127686697-T-C.
Other names: short protein forms D892G.
Identifiers: ClinVar variation 213289 (VCV000213289.7), dbSNP rs863223558, ClinGen allele CA325112.
Genomic context (GRCh38, chr5:128,351,005, plus strand): 5'-TTAATATTCACCTCACAGCGGCTGTCCTGGATGTTGAGCCAACAGGTCCCCTTCAGGCTG[T>C]CTGAAAAGGAACAGGAAAGGTTGGGGAGCTCTTACCTCTGAAGAAAATAGAATTCAGCTG-3'
Protein context (NP_001990.2, residues 882-902): KLSSTGLICI[Asp892Gly]SLKGTCWLNI

ClinVar aggregate classification (germline): Uncertain significance. Review status: criteria provided, multiple submitters, no conflicts (2 of 4 stars). 2 submissions from 2 submitters: Uncertain significance (2). Last evaluated 2025-04-09.

Conditions:
Congenital contractural arachnodactyly (CCA). Also called: Beals-Hecht syndrome; BEALS SYNDROME; Arthrogryposis, distal, type 9. Identifiers: Orphanet 115, MedGen C0220668, MONDO:0007363, OMIM 121050.

Allele frequency attached by ClinVar (database versions not stated): gnomAD exomes 0.00001; TOPMed 0.00002; gnomAD 0.00001.
gnomAD v4.1: 5 of 1,614,064 alleles (0.00031%); highest among the groups gnomAD compares: Non-Finnish European, 0.00042%; no homozygotes.

Submissions (2):

Labcorp Genetics (formerly Invitae), Labcorp
Classification: Uncertain significance for Congenital contractural arachnodactyly. Last evaluated: 2025-04-09. Review status: criteria provided, single submitter. Criteria: Invitae Variant Classification Sherloc (09022015). Collection method: clinical testing. Allele origin: germline.
Comment: This sequence change replaces aspartic acid, which is acidic and polar, with glycine, which is neutral and non-polar, at codon 892 of the FBN2 protein (p.Asp892Gly). This variant is not present in population databases (gnomAD no frequency). This variant has not been reported in the literature in individuals affected with FBN2-related conditions. ClinVar contains an entry for this variant (Variation ID: 213289). An algorithm developed to predict the effect of missense changes on protein structure and function (PolyPhen-2) suggests that this variant is likely to be tolerated. In summary, the available evidence is currently insufficient to determine the role of this variant in disease. Therefore, it has been classified as a Variant of Uncertain Significance.

GeneDx
Classification: Uncertain significance. Last evaluated: 2018-10-11. Review status: criteria provided, single submitter. Criteria: GeneDx Variant Classification (06012015). Collection method: clinical testing. Allele origin: germline. Affected: yes.
Comment: p.Asp892Gly (GAC>GGC): c.2675 A>G in exon 21 of the FBN2 gene (NM_001999.3) The Asp892Gly variant in the FBN2 gene has not been reported as a disease-causing mutation or as a benign polymorphism to our knowledge. Asp892Gly results in a non-conservative amino acid substitution of a negatively charged Aspartic acid with a non-polar Glycine at a position that is conserved across species. In silico analysis predicts Asp892Gly is possibly damaging to the protein structure/function. The Asp892Gly variant was not observed in approximately 6,500 individuals of European and African American ancestry in the NHLBI Exome Sequencing Project, indicating it is not a common benign variant in these populations. Nevertheless, no mutations in nearby residues have been reported in association with congenital contractural arachnodactyly, indicating this region of the protein may be tolerant of change. With the clinical and molecular information available at this time, we cannot definitively determine if Asp892Gly is a disease-causing mutation or a rare benign variant. This variant was found in TAAD